The following is an entry in ClinVar:

NM_000505.4(F12):c.346G>A (p.Gly116Ser)

Gene: F12 (coagulation factor XII; minus strand). Cytogenetic location: 5q35.3.
Variant type: single nucleotide variant.
Coding change: c.346G>A on transcript NM_000505.4 (MANE Select); coding-DNA position 346, G replaced by A.
Protein change: p.Gly116Ser; replaces glycine 116 with serine.
Molecular consequence: missense variant.
Genome position (GRCh38, 1-based): chr5:177,405,374, C>T on the plus strand (G>A on the coding strand, the complement: F12 is on the minus strand). VCF-style: chr5-177405374-C-T. GRCh37 (hg19) VCF-style: chr5-176832375-C-T.
Other names: short protein forms G116S.
Identifiers: ClinVar variation 1418684 (VCV001418684.6), dbSNP rs754877167, ClinGen allele CA3581519.

ClinVar aggregate classification (germline): Uncertain significance (1 of 4 stars; one submission).

Allele frequency attached by ClinVar (database versions not stated): gnomAD exomes below 0.00001 and 0.00002; ExAC 0.00001; TOPMed 0.00002.
gnomAD v4.1: 28 of 1,614,168 alleles (0.0017%); highest among the groups gnomAD compares: Non-Finnish European, 0.0022%; no homozygotes.

Submission:

Labcorp Genetics (formerly Invitae), Labcorp
Classification: Uncertain significance. Last evaluated: 2023-02-09. Review status: criteria provided, single submitter. Criteria: Invitae Variant Classification Sherloc (09022015). Collection method: clinical testing. Allele origin: germline.
Comment: ClinVar contains an entry for this variant (Variation ID: 1418684). In summary, the available evidence is currently insufficient to determine the role of this variant in disease. Therefore, it has been classified as a Variant of Uncertain Significance. Advanced modeling of protein sequence and biophysical properties (such as structural, functional, and spatial information, amino acid conservation, physicochemical variation, residue mobility, and thermodynamic stability) performed at Invitae indicates that this missense variant is not expected to disrupt F12 protein function. This variant has not been reported in the literature in individuals affected with F12-related conditions. This variant is present in population databases (rs754877167, gnomAD 0.0009%). This sequence change replaces glycine, which is neutral and non-polar, with serine, which is neutral and polar, at codon 116 of the F12 protein (p.Gly116Ser).